The following is an entry in ClinVar:

ClinVar aggregate classification (germline): Uncertain significance (1 of 4 stars; one submission).

Conditions:
Hereditary cancer-predisposing syndrome. Also called: Tumor predisposition; Neoplastic Syndromes, Hereditary; Hereditary neoplastic syndrome; Hereditary Cancer Syndrome. Identifiers: Orphanet 140162, MedGen C0027672, MeSH D009386, MONDO:0015356.

Submission:

Ambry Genetics
Classification: Uncertain significance for Hereditary cancer-predisposing syndrome. Last evaluated: 2025-08-27. Review status: criteria provided, single submitter. Criteria: Ambry Variant Classification Scheme 2023. Collection method: clinical testing. Allele origin: germline.
Comment: The p.Q500H variant (also known as c.1500A>C), located in coding exon 15 of the MUTYH gene, results from an A to C substitution at nucleotide position 1500. The glutamine at codon 500 is replaced by histidine, an amino acid with highly similar properties. This amino acid position is conserved. In addition, this alteration is predicted to be tolerated by in silico analysis. Based on the available evidence, the clinical significance of this variant remains unclear.

NM_001048174.2(MUTYH):c.1416A>C (p.Gln472His)

Gene: MUTYH (mutY DNA glycosylase; minus strand). Cytogenetic location: 1p34.1.
Variant type: single nucleotide variant.
Coding change: c.1416A>C on transcript NM_001048174.2 (MANE Select); coding-DNA position 1416, A replaced by C.
Protein change: p.Gln472His; replaces glutamine 472 with histidine.
Molecular consequence: missense variant. On other transcripts: non-coding transcript variant (7).
Genome position (GRCh38, 1-based): chr1:45,330,534, T>G on the plus strand (A>C on the coding strand, the complement: MUTYH is on the minus strand). VCF-style: chr1-45330534-T-G. GRCh37 (hg19) VCF-style: chr1-45796206-T-G.
Other names: c.1416A>C, p.Gln472His (NM_001048171.2, NM_001048173.2, NM_001293195.2 and 6 more transcripts); c.1419A>C, p.Gln473His (NM_001048172.2, NM_001407071.1, NM_001407078.1 and 1 more transcripts); c.1500A>C, p.Gln500His (NM_001128425.2); c.1461A>C, p.Gln487His (NM_001293190.2); c.1449A>C, p.Gln483His (NM_001293191.2, NM_001407069.1, NM_001407077.1); c.1140A>C, p.Gln380His (NM_001293192.2, NM_001293196.2, NM_001407091.1); c.1071A>C, p.Gln357His (NM_001350650.2, NM_001350651.2, NM_001407082.1); c.1437A>C, p.Gln479His (NM_001407087.1); and 5 more; short protein forms Q357H, Q458H, Q472H, Q497H, Q473H, Q479H, Q483H, Q486H.
Identifiers: ClinVar variation 4113291 (VCV004113291.1).